The following is an entry in ClinVar:

NM_001184880.2(PCDH19):c.409G>T (p.Glu137Ter)

Gene: PCDH19 (protocadherin 19; minus strand). Cytogenetic location: Xq22.1.
Variant type: single nucleotide variant.
Coding change: c.409G>T on transcript NM_001184880.2 (MANE Select); coding-DNA position 409, G replaced by T.
Protein change: p.Glu137Ter; replaces glutamic acid 137 with a stop codon.
Molecular consequence: nonsense.
Genome position (GRCh38, 1-based): chrX:100,408,189, C>A on the plus strand (G>T on the coding strand, the complement: PCDH19 is on the minus strand). VCF-style: chrX-100408189-C-A. GRCh37 (hg19) VCF-style: chrX-99663187-C-A.
Other names: c.409G>T, p.Glu137Ter (NM_001105243.2, NM_020766.3); short protein forms E137*.
Identifiers: ClinVar variation 432030 (VCV000432030.10), dbSNP rs1555985689, ClinGen allele CA414009827.

ClinVar aggregate classification (germline): Pathogenic/Likely pathogenic. Review status: criteria provided, multiple submitters, no conflicts (2 of 4 stars). 2 submissions from 2 submitters: Pathogenic (1); Likely pathogenic (1). Last evaluated 2024-02-23.

Conditions:
Developmental and epileptic encephalopathy, 9 (DEE9). Also called: Early infantile epileptic encephalopathy 9; JUBERG-HELLMAN SYNDROME; EPILEPSY, FEMALE-RESTRICTED, WITH MENTAL RETARDATION; PCDH19-Related X-Linked Female-Limited Epilepsy with Mental Retardation. Identifiers: Orphanet 101039, Orphanet 2076, MedGen C1848137, MONDO:0010246, OMIM 300088. Disease mechanism: loss of function.

Submissions (2):

Labcorp Genetics (formerly Invitae), Labcorp
Classification: Pathogenic for Developmental and epileptic encephalopathy, 9. Last evaluated: 2024-02-23. Review status: criteria provided, single submitter. Criteria: Invitae Variant Classification Sherloc (09022015). Collection method: clinical testing. Allele origin: germline.
Comment: This sequence change creates a premature translational stop signal (p.Glu137*) in the PCDH19 gene. It is expected to result in an absent or disrupted protein product. Loss-of-function variants in PCDH19 are known to be pathogenic (PMID: 21053371). This variant is not present in population databases (gnomAD no frequency). This premature translational stop signal has been observed in individual(s) with epilepsy with or without neurodevelopmental disorder (PMID: 29655203). ClinVar contains an entry for this variant (Variation ID: 432030). For these reasons, this variant has been classified as Pathogenic.

GeneDx
Classification: Likely pathogenic. Last evaluated: 2015-12-04. Review status: criteria provided, single submitter. Criteria: GeneDx Variant Classification (06012015). Collection method: clinical testing. Allele origin: germline. Affected: yes.
Comment: The E137X variant has not been published as a pathogenic variant, nor has it been reported as a benign variant to our knowledge. It was not observed in approximately 6,300 individuals of European and African American ancestry in the NHLBI Exome Sequencing Project, indicating it is not a common benign variant in these populations. The E137X nonsense variant is predicted to cause loss of normal protein function either through protein truncation or nonsense-mediated mRNA decay. Additionally, multiple downstream nonsense variants have been reported in Human Gene Mutation Database in association with PCDH19-related disorders (Stenson et al., 2014), supporting the functional importance of this region of the protein. Therefore, this variant is likely pathogenic; however, the possibility that it is benign cannot be excluded.

Literature cited by the submitters: PubMed 21053371 (cited by Labcorp Genetics (formerly Invitae), Labcorp); PubMed 29655203 (cited by Labcorp Genetics (formerly Invitae), Labcorp).